The following is an entry in ClinVar:

NM_002087.4(GRN):c.989C>T (p.Thr330Met)

Gene: GRN (granulin precursor; plus strand). Cytogenetic location: 17q21.31.
Variant type: single nucleotide variant.
Coding change: c.989C>T on transcript NM_002087.4 (MANE Select); coding-DNA position 989, C replaced by T.
Protein change: p.Thr330Met; replaces threonine 330 with methionine.
Molecular consequence: missense variant.
Genome position (GRCh38, 1-based): chr17:44,351,605, C>T. VCF-style: chr17-44351605-C-T. GRCh37 (hg19) VCF-style: chr17-42428973-C-T.
Other names: c.989C>T (NM_002087.2); short protein forms T330M.
Identifiers: ClinVar variation 1377707 (VCV001377707.7), dbSNP rs376059429, ClinGen allele CA8602083.
Genomic context (GRCh38, chr17:44,351,605, plus strand): 5'-CCTAGGCTGTGTGCTGTGAGGACCACATACACTGCTGTCCCGCGGGGTTTACGTGTGACA[C>T]GCAGAAGGGTACCTGTGAACAGGGGCCCCACCAGGTGCCCTGGATGGAGAAGGCCCCAGC-3'
Protein context (NP_002078.1, residues 320-340): HCCPAGFTCD[Thr330Met]QKGTCEQGPH

ClinVar aggregate classification (germline): Uncertain significance. Review status: criteria provided, multiple submitters, no conflicts (2 of 4 stars). 2 submissions from 2 submitters: Uncertain significance (2). Last evaluated 2024-01-03.

Conditions:
Inborn genetic diseases. Identifiers: MedGen C0950123, MeSH D030342.
GRN-related frontotemporal lobar degeneration with Tdp43 inclusions (FTD2). Also called: DEMENTIA, HEREDITARY DYSPHASIC DISINHIBITION; FRONTOTEMPORAL LOBAR DEGENERATION WITH UBIQUITIN-POSITIVE INCLUSIONS; FTLD-TDP, GRN-RELATED; GRN Frontotemporal Dementia; FRONTOTEMPORAL DEMENTIA WITH TDP43 INCLUSIONS, GRN-RELATED. Identifiers: Orphanet 100070, Orphanet 282, MedGen C1843792, MONDO:0011842, OMIM 607485. Disease mechanism: loss of function.
Neuronal ceroid lipofuscinosis 11. Also called: GRN-Related Neuronal Ceroid-Lipofuscinosis. Identifiers: Orphanet 314629, Orphanet 79262, MedGen C3539123, MONDO:0013866, OMIM 614706.

Allele frequency attached by ClinVar (database versions not stated): TOPMed 0.00001; ExAC 0.00002; gnomAD 0.00002; gnomAD exomes 0.00002; ESP Exome Variant Server 0.00008.

Submissions (2):

Labcorp Genetics (formerly Invitae), Labcorp
Classification: Uncertain significance for Neuronal ceroid lipofuscinosis 11; GRN-related frontotemporal lobar degeneration with Tdp43 inclusions. Last evaluated: 2024-01-03. Review status: criteria provided, single submitter. Criteria: Invitae Variant Classification Sherloc (09022015). Collection method: clinical testing. Allele origin: germline.
Comment: This sequence change replaces threonine, which is neutral and polar, with methionine, which is neutral and non-polar, at codon 330 of the GRN protein (p.Thr330Met). This variant is present in population databases (rs376059429, gnomAD 0.003%). This variant has not been reported in the literature in individuals affected with GRN-related conditions. ClinVar contains an entry for this variant (Variation ID: 1377707). Advanced modeling of protein sequence and biophysical properties (such as structural, functional, and spatial information, amino acid conservation, physicochemical variation, residue mobility, and thermodynamic stability) performed at Invitae indicates that this missense variant is not expected to disrupt GRN protein function with a negative predictive value of 80%. In summary, the available evidence is currently insufficient to determine the role of this variant in disease. Therefore, it has been classified as a Variant of Uncertain Significance.

Ambry Genetics
Classification: Uncertain significance for Inborn genetic diseases. Last evaluated: 2023-10-05. Review status: criteria provided, single submitter. Criteria: Ambry Variant Classification Scheme 2023. Collection method: clinical testing. Allele origin: germline.